The following is an entry in ClinVar:

NM_032043.3(BRIP1):c.2753C>G (p.Thr918Ser)

Gene: BRIP1 (BRCA1 interacting DNA helicase 1; minus strand). Cytogenetic location: 17q23.2.
Variant type: single nucleotide variant.
Coding change: c.2753C>G on transcript NM_032043.3 (MANE Select); coding-DNA position 2753, C replaced by G.
Protein change: p.Thr918Ser; replaces threonine 918 with serine.
Molecular consequence: missense variant.
Genome position (GRCh38, 1-based): chr17:61,685,988, G>C on the plus strand (C>G on the coding strand, the complement: BRIP1 is on the minus strand). VCF-style: chr17-61685988-G-C. GRCh37 (hg19) VCF-style: chr17-59763349-G-C.
Other names: short protein forms T918S.
Identifiers: ClinVar variation 2951172 (VCV002951172.3), dbSNP rs587781298, ClinGen allele CA400481601.

ClinVar aggregate classification (germline): Uncertain significance (1 of 4 stars; one submission).

Conditions:
Fanconi anemia complementation group J. Also called: BRIP1-Related Fanconi Anemia. Identifiers: Orphanet 84, MedGen C1836860, MONDO:0012187, OMIM 609054.
Familial cancer of breast. Also called: BREAST CANCER, FAMILIAL; Hereditary breast cancer; hereditary breast carcinoma. Identifiers: Orphanet 227535, MedGen C0346153, MONDO:0016419, OMIM 114480. Disease mechanism: loss of function.

Submission:

Labcorp Genetics (formerly Invitae), Labcorp
Classification: Uncertain significance for Familial cancer of breast; Fanconi anemia complementation group J. Last evaluated: 2023-08-22. Review status: criteria provided, single submitter. Criteria: Invitae Variant Classification Sherloc (09022015). Collection method: clinical testing. Allele origin: germline.
Comment: In summary, the available evidence is currently insufficient to determine the role of this variant in disease. Therefore, it has been classified as a Variant of Uncertain Significance. Advanced modeling of protein sequence and biophysical properties (such as structural, functional, and spatial information, amino acid conservation, physicochemical variation, residue mobility, and thermodynamic stability) performed at Invitae indicates that this missense variant is not expected to disrupt BRIP1 protein function. This variant has not been reported in the literature in individuals affected with BRIP1-related conditions. This variant is not present in population databases (gnomAD no frequency). This sequence change replaces threonine, which is neutral and polar, with serine, which is neutral and polar, at codon 918 of the BRIP1 protein (p.Thr918Ser).